The following is an entry in ClinVar:

NM_005401.5(PTPN14):c.2216C>T (p.Ala739Val)

Gene: PTPN14 (protein tyrosine phosphatase non-receptor type 14; minus strand). Cytogenetic location: 1q32.3.
Variant type: single nucleotide variant.
Coding change: c.2216C>T on transcript NM_005401.5 (MANE Select); coding-DNA position 2216, C replaced by T.
Protein change: p.Ala739Val; replaces alanine 739 with valine.
Molecular consequence: missense variant.
Genome position (GRCh38, 1-based): chr1:214,383,639, G>A on the plus strand (C>T on the coding strand, the complement: PTPN14 is on the minus strand). VCF-style: chr1-214383639-G-A. GRCh37 (hg19) VCF-style: chr1-214556982-G-A.
Other names: short protein forms A739V.
Identifiers: ClinVar variation 3237384 (VCV003237384.1), dbSNP rs774165865.

ClinVar aggregate classification (germline): Uncertain significance (1 of 4 stars; one submission).

Conditions:
Lymphedema-posterior choanal atresia syndrome. Identifiers: Orphanet 99141, MedGen C3150875, MONDO:0013324, OMIM 613611.

Allele frequency attached by ClinVar (database versions not stated): ExAC 0.00003; gnomAD 0.00003; TOPMed 0.00004.
gnomAD v4.1: 38 of 1,613,146 alleles (0.0024%); highest among the groups gnomAD compares: South Asian, 0.033%; no homozygotes.

Submission:

Clinical Genomics Laboratory, Washington University in St. Louis
Classification: Uncertain significance for Lymphedema-posterior choanal atresia syndrome. Last evaluated: 2024-02-01. Review status: criteria provided, single submitter. Criteria: ACMG Guidelines, 2015. Collection method: clinical testing. Allele origin: germline.
Comment: The PTPN14 c.2216C>T (p.Ala739Val) variant was identified at a near heterozygous allele fraction of 49%, a frequency which may be consistent with it being of germline origin. This variant, to our knowledge, has not been reported in the medical literature. This variant is only observed on 38/1,613,146 alleles in the general population (gnomAD v4.0.0), indicating it is not a common variant. Computational predictors are uncertain as to the impact of this variant on PTPN14 function. Due to limited information, and based on ACMG/AMP guidelines for variant interpretation (Richards S et al., PMID: 25741868), the clinical significance of the PTPN14 c.2216C>T (p.Ala739Val) variant is uncertain at this time.